The following is an entry in ClinVar:

ClinVar aggregate classification (germline): Uncertain significance (1 of 4 stars; one submission).

Submission:

GeneDx
Classification: Uncertain significance. Last evaluated: 2019-05-30. Review status: criteria provided, single submitter. Criteria: GeneDx Variant Classification Process June 2021. Collection method: clinical testing. Allele origin: germline. Affected: yes.
Comment: Not observed in large population cohorts (Lek et al., 2016); Has not been previously published as pathogenic or benign to our knowledge

NM_001367624.2(ZNF469):c.10376C>G (p.Pro3459Arg)

Gene: ZNF469 (zinc finger protein 469; plus strand). Cytogenetic location: 16q24.2.
Variant type: single nucleotide variant.
Coding change: c.10376C>G on transcript NM_001367624.2 (MANE Select); coding-DNA position 10376, C replaced by G.
Protein change: p.Pro3459Arg; replaces proline 3459 with arginine.
Molecular consequence: missense variant.
Genome position (GRCh38, 1-based): chr16:88,437,846, C>G. VCF-style: chr16-88437846-C-G. GRCh37 (hg19) VCF-style: chr16-88504254-C-G.
Other names: NM_001127464.1:c.10292C>G; short protein forms P3459R.
Identifiers: ClinVar variation 1306245 (VCV001306245.2), dbSNP rs1368107645, ClinGen allele CA397126794.